The following is an entry in ClinVar:

ClinVar aggregate classification (germline): Conflicting classifications of pathogenicity. Review status: criteria provided, conflicting classifications (1 of 4 stars). 2 submissions from 2 submitters: Uncertain significance (1); Likely benign (1). Last evaluated 2025-09-05.

Allele frequency attached by ClinVar (database versions not stated): ExAC 0.00007; gnomAD 0.00008.
gnomAD v4.1: 132 of 1,613,648 alleles (0.0082%); highest among the groups gnomAD compares: Non-Finnish European, 0.0067%; no homozygotes.

Submissions (2):

Labcorp Genetics (formerly Invitae), Labcorp
Classification: Likely benign. Last evaluated: 2025-09-05. Review status: criteria provided, single submitter. Criteria: Invitae Variant Classification Sherloc (09022015). Collection method: clinical testing. Allele origin: germline.

GeneDx
Classification: Uncertain significance. Last evaluated: 2019-09-26. Review status: criteria provided, single submitter. Criteria: GeneDx Variant Classification Process June 2021. Collection method: clinical testing. Allele origin: germline. Affected: yes.
Comment: Not observed at a significant frequency in large population cohorts (Lek et al., 2016); In silico analysis, which includes protein predictors and evolutionary conservation, supports a deleterious effect; Has not been previously published as pathogenic or benign to our knowledge

NM_002470.4(MYH3):c.4987C>T (p.Arg1663Trp)

Gene: MYH3 (myosin heavy chain 3; minus strand). Cytogenetic location: 17p13.1.
Variant type: single nucleotide variant.
Coding change: c.4987C>T on transcript NM_002470.4 (MANE Select); coding-DNA position 4987, C replaced by T.
Protein change: p.Arg1663Trp; replaces arginine 1663 with tryptophan.
Molecular consequence: missense variant.
Genome position (GRCh38, 1-based): chr17:10,631,986, G>A on the plus strand (C>T on the coding strand, the complement: MYH3 is on the minus strand). VCF-style: chr17-10631986-G-A. GRCh37 (hg19) VCF-style: chr17-10535303-G-A.
Other names: short protein forms R1663W.
Identifiers: ClinVar variation 1188002 (VCV001188002.8), dbSNP rs777159320, ClinGen allele CA8392071.